The following is an entry in ClinVar:

ClinVar aggregate classification (germline): Uncertain significance (1 of 4 stars; one submission).

Conditions:
Neuronal ceroid lipofuscinosis. Also called: Neuronal Ceroid Lipofuscinoses. Identifiers: Orphanet 216, Orphanet 79263, MedGen C0027877, MONDO:0016295. Disease mechanism: loss of function.

Allele frequency attached by ClinVar (database versions not stated): gnomAD exomes below 0.00001 and 0.00001; ExAC 0.00001.
gnomAD v4.1: 7 of 1,613,756 alleles (0.00043%); highest among the groups gnomAD compares: Non-Finnish European, 0.00059%; no homozygotes.

Submission:

Labcorp Genetics (formerly Invitae), Labcorp
Classification: Uncertain significance for Neuronal ceroid lipofuscinosis. Last evaluated: 2021-08-24. Review status: criteria provided, single submitter. Criteria: Invitae Variant Classification Sherloc (09022015). Collection method: clinical testing. Allele origin: germline.
Comment: This sequence change replaces proline with leucine at codon 105 of the CLN6 protein (p.Pro105Leu). The proline residue is highly conserved and there is a moderate physicochemical difference between proline and leucine. This variant is present in population databases (rs769747737, ExAC 0.002%). This variant has not been reported in the literature in individuals affected with CLN6-related conditions. Algorithms developed to predict the effect of missense changes on protein structure and function (SIFT, PolyPhen-2, Align-GVGD) all suggest that this variant is likely to be disruptive. In summary, the available evidence is currently insufficient to determine the role of this variant in disease. Therefore, it has been classified as a Variant of Uncertain Significance.

NM_017882.3(CLN6):c.314C>T (p.Pro105Leu)

Gene: CLN6 (CLN6 transmembrane ER protein; minus strand). Cytogenetic location: 15q23.
Variant type: single nucleotide variant.
Coding change: c.314C>T on transcript NM_017882.3 (MANE Select); coding-DNA position 314, C replaced by T.
Protein change: p.Pro105Leu; replaces proline 105 with leucine.
Molecular consequence: missense variant.
Genome position (GRCh38, 1-based): chr15:68,211,847, G>A on the plus strand (C>T on the coding strand, the complement: CLN6 is on the minus strand). VCF-style: chr15-68211847-G-A. GRCh37 (hg19) VCF-style: chr15-68504185-G-A.
Other names: short protein forms P105L.
Identifiers: ClinVar variation 864070 (VCV000864070.4), dbSNP rs769747737, ClinGen allele CA7630626.